The following is an entry in ClinVar:

NM_019066.5(MAGEL2):c.531C>G (p.Thr177=)

Gene: MAGEL2 (MAGE family member L2; minus strand). Cytogenetic location: 15q11.2.
Variant type: single nucleotide variant.
Coding change: c.531C>G on transcript NM_019066.5 (MANE Select); coding-DNA position 531, C replaced by G.
Protein change: p.Thr177=; no amino-acid change (threonine 177 retained).
Molecular consequence: synonymous variant.
Genome position (GRCh38, 1-based): chr15:23,647,212, G>C on the plus strand (C>G on the coding strand, the complement: MAGEL2 is on the minus strand). VCF-style: chr15-23647212-G-C. GRCh37 (hg19) VCF-style: chr15-23892359-G-C.
Identifiers: ClinVar variation 3685595 (VCV003685595.2).
Genomic context (GRCh38, chr15:23,647,212, plus strand): 5'-TGTCCCCGGAGGGGGAGGATGAGCCATCGGGGTCCCCGGAGGAGGAGGATGCACCATCGG[G>C]GTCCCCGGAGGAGGAGGATGGGCCATCGGGGTCCCCGGAGGAGGAGGATGGGCCATTGGG-3'
Protein context (NP_061939.3, residues 167-187): TPMAHPPPPG[Thr177=]PMVHPPPPGT

ClinVar aggregate classification (germline): Uncertain significance (1 of 4 stars; one submission).

gnomAD v4.1: 2 of 1,519,438 alleles (0.00013%); highest among the groups gnomAD compares: Admixed American, 0.002%; no homozygotes.

Submission:

Labcorp Genetics (formerly Invitae), Labcorp
Classification: Uncertain significance. Last evaluated: 2024-03-20. Review status: criteria provided, single submitter. Criteria: Invitae Variant Classification Sherloc (09022015). Collection method: clinical testing. Allele origin: germline.
Comment: This sequence change affects codon 177 of the MAGEL2 mRNA. It is a 'silent' change, meaning that it does not change the encoded amino acid sequence of the MAGEL2 protein. This variant is present in population databases (no rsID available, gnomAD 0.004%). This variant has not been reported in the literature in individuals affected with MAGEL2-related conditions. In summary, the available evidence is currently insufficient to determine the role of this variant in disease. Therefore, it has been classified as a Variant of Uncertain Significance.